The following is an entry in ClinVar:

NM_177550.5(SLC13A5):c.201C>T (p.Phe67=)

Gene: SLC13A5 (solute carrier family 13 member 5; minus strand). Cytogenetic location: 17p13.1.
Variant type: single nucleotide variant.
Coding change: c.201C>T on transcript NM_177550.5 (MANE Select); coding-DNA position 201, C replaced by T.
Protein change: p.Phe67=; no amino-acid change (phenylalanine 67 retained).
Molecular consequence: synonymous variant. On other transcripts: intron variant (1).
Genome position (GRCh38, 1-based): chr17:6,707,058, G>A on the plus strand (C>T on the coding strand, the complement: SLC13A5 is on the minus strand). VCF-style: chr17-6707058-G-A. GRCh37 (hg19) VCF-style: chr17-6610377-G-A.
Other names: c.201C>T, p.Phe67= (NM_001143838.3, NM_001284509.2); c.103-280C>T (NM_001284510.2).
Identifiers: ClinVar variation 383354 (VCV000383354.9), dbSNP rs900258843, ClinGen allele CA16607821.

ClinVar aggregate classification (germline): Likely benign. Review status: criteria provided, multiple submitters, no conflicts (2 of 4 stars). 2 submissions from 2 submitters: Likely benign (2). Last evaluated 2024-07-02.

Conditions:
Developmental and epileptic encephalopathy, 25 (DEE25). Also called: Developmental and epileptic encephalopathy 25, with amelogenesis imperfecta; Epileptic encephalopathy, early infantile, 25, with amelogenesis imperfecta; Epileptic encephalopathy, early infantile, 25. Identifiers: Orphanet 442835, MedGen C4014621, MONDO:0014392, OMIM 615905.

Submissions (2):

Labcorp Genetics (formerly Invitae), Labcorp
Classification: Likely benign for Developmental and epileptic encephalopathy, 25. Last evaluated: 2024-07-02. Review status: criteria provided, single submitter. Criteria: Invitae Variant Classification Sherloc (09022015). Collection method: clinical testing. Allele origin: germline.

GeneDx
Classification: Likely benign. Last evaluated: 2016-02-08. Review status: criteria provided, single submitter. Criteria: GeneDx Variant Classification (06012015). Collection method: clinical testing. Allele origin: germline. Affected: yes.
Comment: This variant is considered likely benign or benign based on one or more of the following criteria: it is a conservative change, it occurs at a poorly conserved position in the protein, it is predicted to be benign by multiple in silico algorithms, and/or has population frequency not consistent with disease.